The following is an entry in ClinVar:

NM_000441.2(SLC26A4):c.471C>T (p.Pro157=)

Gene: SLC26A4 (solute carrier family 26 member 4; plus strand). Cytogenetic location: 7q22.3.
Variant type: single nucleotide variant.
Coding change: c.471C>T on transcript NM_000441.2 (MANE Select); coding-DNA position 471, C replaced by T.
Protein change: p.Pro157=; no amino-acid change (proline 157 retained).
Molecular consequence: synonymous variant.
Genome position (GRCh38, 1-based): chr7:107,674,219, C>T. VCF-style: chr7-107674219-C-T. GRCh37 (hg19) VCF-style: chr7-107314664-C-T.
Other names: c.471C>T (NM_000441.1).
Identifiers: ClinVar variation 1091861 (VCV001091861.11), dbSNP rs557892300, ClinGen allele CA4432488.

ClinVar aggregate classification (germline): Conflicting classifications of pathogenicity. Review status: criteria provided, conflicting classifications (1 of 4 stars). 3 submissions from 3 submitters: Uncertain significance (1); Likely benign (1). 1 of the submissions does not count toward it. Last evaluated 2025-04-16.

Conditions:
SLC26A4-related disorder. Also called: SLC26A4-related disorders; SLC26A4-related condition.
Autosomal recessive nonsyndromic hearing loss 4 (DFNB4). Also called: Enlarged vestibular aqueduct, digenic; FOXI1-Related Pendred Syndrome; KCNJ10-Related Pendred Syndrome; DEAFNESS, AUTOSOMAL RECESSIVE 4, WITH ENLARGED VESTIBULAR AQUEDUCT, DIGENIC; Deafness, autosomal recessive 4; NEUROSENSORY NONSYNDROMIC RECESSIVE DEAFNESS 4. Identifiers: Orphanet 90636, MedGen C3538946, MONDO:0010933, OMIM 600791.

Allele frequency attached by ClinVar (database versions not stated): gnomAD 0.00001 and 0.00003; ExAC 0.00002; TOPMed 0.00002; 1000 Genomes Project 30x 0.00016; 1000 Genomes Project 0.00020.

Submissions (3):

PreventionGenetics, part of Exact Sciences
Classification: Uncertain significance for SLC26A4-related condition. Last evaluated: 2025-04-16. Review status: criteria provided, single submitter. Criteria: ACMG Guidelines, 2015. Collection method: clinical testing. Allele origin: germline.
Comment: The SLC26A4 c.471C>T variant is not predicted to result in an amino acid change (p.=). This variant is predicted to alter splicing based on available splicing prediction software (SpliceAI, Jaganathan et al. 2019. PubMed ID: 30661751). In vitro splice assay confirmed that the alternative acceptor splice site is used, which leads to the partial deletion of exon 5 and a truncated protein p.Gly139Alafs*6 (Smits et al. 2022. PubMed ID: 34410491). This variant was reported in heterozygous state an individual with Hearing loss and enlarged vestibular aqueduct, however second SLC26A4 variant was not detected (Table 2, Smits et al. 2022. PubMed ID: 34410491). This variant is reported in 0.029% of alleles in individuals of South Asian descent in gnomAD. Although we suspect that this variant may be pathogenic, at this time, the clinical significance of this variant is uncertain due to the absence of conclusive functional and genetic evidence.

Labcorp Genetics (formerly Invitae), Labcorp
Classification: Likely benign. Last evaluated: 2023-12-12. Review status: criteria provided, single submitter. Criteria: Invitae Variant Classification Sherloc (09022015). Collection method: clinical testing. Allele origin: germline.

Wonkam Laboratory, Johns Hopkins University
Classification: Likely pathogenic for Autosomal recessive nonsyndromic hearing loss 4. Last evaluated: 2024-01-06. Review status: no assertion criteria provided. Collection method: research. Allele origin: unknown. Inheritance: Autosomal recessive inheritance. Affected: yes. Observed: 2 variant alleles. Not counted in ClinVar's aggregate classification.
Comment: The variant NM_000441.2 c.471C>T Well-established in vitro or in vivo functional studies supportive of a damaging effect on the gene or gene product (PS3), Absent from controls (or at extremely low frequency if recessive) in Exome Sequencing Project, 1000 Genomes Project, or Exome Aggregation Consortium (PM2), Cosegregation with disease in multiple affected family members in a gene definitively known to cause the disease (PP1), Patient's phenotype or family history is highly specific for a disease with a single genetic etiology (PP4), Reputable source recently reports variant as pathogenic, but the evidence is not available to the laboratory to perform an independent evaluation (PP%)

Literature cited by the submitters: PubMed 25372295 (cited by Wonkam Laboratory, Johns Hopkins University).